The following is an entry in ClinVar:

NC_000015.9:g.(?_38786563)_(38810644_?)dup

Gene: RASGRP1 (RAS guanyl releasing protein 1; minus strand). Cytogenetic location: 15q14.
Variant type: Duplication.
Identifiers: ClinVar variation 3243877 (VCV003243877.1).

ClinVar aggregate classification (germline): Likely pathogenic (1 of 4 stars; one submission).

Submission:

Labcorp Genetics (formerly Invitae), Labcorp
Classification: Likely pathogenic. Last evaluated: 2023-09-11. Review status: criteria provided, single submitter. Criteria: Invitae Variant Classification Sherloc (09022015). Collection method: clinical testing. Allele origin: unknown.
Comment: This variant results in a copy number gain of the genomic region encompassing exon(s) 5-16 of the RASGRP1 gene. While the exact position of this variant cannot be determined from the data, sub-genic copy number gains are generally in tandem (PMID: 25640679). This variant is predicted to be out-of-frame, and may result in an absent or disrupted protein product. Loss-of-function variants in RASGRP1 are known to be pathogenic (PMID: 11017103, 27776107, 28822832). This variant has not been reported in the literature in individuals affected with RASGRP1-related conditions. In summary, the currently available evidence indicates that the variant is pathogenic, but additional data are needed to prove that conclusively. Therefore, this variant has been classified as Likely Pathogenic.

Literature cited by the submitters: PubMed 25640679; PubMed 11017103; PubMed 27776107; PubMed 28822832.